The following is an entry in ClinVar:

NM_001039213.4(CEACAM16):c.1186A>G (p.Thr396Ala)

Genes: CEACAM16 (CEA cell adhesion molecule 16, tectorial membrane component; plus strand), CEACAM16-AS1 (CEACAM16, CEACAM19 and PVR antisense RNA 1; minus strand). Cytogenetic location: 19q13.32.
Variant type: single nucleotide variant.
Coding change: c.1186A>G on transcript NM_001039213.4 (MANE Select); coding-DNA position 1186, A replaced by G.
Protein change: p.Thr396Ala; replaces threonine 396 with alanine.
Molecular consequence: missense variant.
Genome position (GRCh38, 1-based): chr19:44,708,106, A>G. VCF-style: chr19-44708106-A-G. GRCh37 (hg19) VCF-style: chr19-45211378-A-G.
Other names: short protein forms T396A.
Identifiers: ClinVar variation 228513 (VCV000228513.5), dbSNP rs755154488, ClinGen allele CA9503252.

ClinVar aggregate classification (germline): Conflicting classifications of pathogenicity. Review status: criteria provided, conflicting classifications (1 of 4 stars). 2 submissions from 2 submitters: Likely pathogenic (1); Uncertain significance (1). Last evaluated 2023-09-19.

Conditions:
Rare genetic deafness. Identifiers: Orphanet 96210, MedGen C5680250.

Allele frequency attached by ClinVar (database versions not stated): ExAC 0.00001; gnomAD exomes 0.00002.
gnomAD v4.1: 15 of 1,610,804 alleles (0.00093%); highest among the groups gnomAD compares: Non-Finnish European, 0.0011%; no homozygotes.

Submissions (2):

Blueprint Genetics
Classification: Uncertain significance. Last evaluated: 2023-09-19. Review status: criteria provided, single submitter. Criteria: ACMG Guidelines, 2015. Collection method: clinical testing. Allele origin: germline.

Laboratory for Molecular Medicine, Mass General Brigham Personalized Medicine
Classification: Likely pathogenic for Rare genetic deafness. Last evaluated: 2016-07-06. Review status: criteria provided, single submitter. Criteria: LMM Criteria. Collection method: clinical testing. Allele origin: germline. Inheritance: Autosomal dominant inheritance. Observed: 4 variant alleles.
Comment: This variant has been identified in 1/52160 of European chromosomes by the Exome Aggregation Consortium (ExAC; dbSNP rs755154488). Please note that for diseases with clinical variabili ty, reduced penetrance, or recessive inheritance, pathogenic variants may be pre sent at a low frequency in the general population. Computational prediction too ls and conservation analysis do not provide strong support for or against an imp act to the protein. In summary, although additional studies are required to full y establish its clinical significance, this variant is likely pathogenic for aut osomal dominant hearing loss based on the segregation of the variant in several individuals with hearing loss.